The following is an entry in ClinVar:

ClinVar aggregate classification (germline): Likely pathogenic (1 of 4 stars; one submission).

Submission:

Dasa
Classification: Likely pathogenic. Last evaluated: 2025-06-05. Review status: criteria provided, single submitter. Criteria: DASA Assertion Criteria. Collection method: clinical testing. Allele origin: germline.
Comment: NM_078480.3(PUF60):c.492dup (p.Val165Argfs*14) is a frameshift variant in PUF60 predicted to alter the reading frame and introduce a premature termination codon and is predicted to result in an absent or altered protein product. Loss of function is an established disease mechanism for PUF60 (PMID: 24140112; PMID: 27804958; PMID: 28327570). Also, this variant is absent from population databases. Based on the currently available evidence, this variant is classified as likely pathogenic.

Literature cited by the submitters: PubMed 24140112; PubMed 27804958; PubMed 28327570.

NM_078480.3(PUF60):c.492dup (p.Val165fs)

Gene: PUF60 (poly(U) binding splicing factor 60; minus strand). Cytogenetic location: 8q24.3.
Variant type: Duplication.
Coding change: c.492dup on transcript NM_078480.3 (MANE Select); coding-DNA position 492, one base duplicated (C; older notation c.492dupC).
Protein change: p.Val165fs; shifts the reading frame from valine 165.
Molecular consequence: frameshift variant.
Genome position (GRCh38, 1-based): chr8:143,818,391, G duplicated on the plus strand (C on the coding strand, the reverse complement: PUF60 is on the minus strand); the first of 2 consecutive G bases (chr8:143,818,391-143,818,392); duplicating either gives the same sequence. VCF-style (leftmost placement, unchanged base first): chr8-143818390-C-CG. GRCh37 (hg19) VCF-style: chr8-144900560-C-CG.
Other names: c.363dup, p.Val122fs (NM_001136033.3); c.438dup, p.Val147fs (NM_001271096.2); c.354dup, p.Val119fs (NM_001271097.2); c.489dup, p.Val164fs (NM_001271098.2); c.405dup, p.Val136fs (NM_001271099.2); c.312dup, p.Val105fs (NM_001271100.2); c.603dup, p.Val202fs (NM_001362895.2, NM_001362896.2); c.552dup, p.Val185fs (NM_001362897.2); and 1 more; short protein forms V105fs, V119fs, V122fs, V136fs, V147fs, V148fs, V164fs, V165fs.
Identifiers: ClinVar variation 4884266 (VCV004884266.2).